The following is an entry in ClinVar:

NM_014883.4(FAM13A):c.1754A>C (p.Gln585Pro)

Gene: FAM13A (family with sequence similarity 13 member A; minus strand). Cytogenetic location: 4q22.1.
Variant type: single nucleotide variant.
Coding change: c.1754A>C on transcript NM_014883.4 (MANE Select); coding-DNA position 1754, A replaced by C.
Protein change: p.Gln585Pro; replaces glutamine 585 with proline.
Molecular consequence: missense variant.
Genome position (GRCh38, 1-based): chr4:88,750,610, T>G on the plus strand (A>C on the coding strand, the complement: FAM13A is on the minus strand). VCF-style: chr4-88750610-T-G. GRCh37 (hg19) VCF-style: chr4-89671761-T-G.
Other names: c.776A>C, p.Gln259Pro (NM_001015045.3, NM_001265579.2); c.734A>C, p.Gln245Pro (NM_001265578.2); c.692A>C, p.Gln231Pro (NM_001265580.2); short protein forms Q231P, Q245P, Q259P, Q585P.
Identifiers: ClinVar variation 3250620 (VCV003250620.18), dbSNP rs551404204.

ClinVar aggregate classification (germline): Likely benign (1 of 4 stars; one submission).

Allele frequency attached by ClinVar (database versions not stated): TOPMed 0.00008; gnomAD 0.00033; gnomAD exomes 0.00049; 1000 Genomes Project 30x 0.00094; ExAC 0.00103; 1000 Genomes Project 0.00120.
gnomAD v4.1: 768 of 1,613,952 alleles (0.048%); highest among the groups gnomAD compares: South Asian, 0.74%; 7 homozygotes.

Submission:

CeGaT Center for Human Genetics Tuebingen
Classification: Likely benign. Last evaluated: 2024-06-01. Review status: criteria provided, single submitter. Criteria: CeGaT Center For Human Genetics Tuebingen Variant Classification Criteria Version 2. Collection method: clinical testing. Allele origin: germline. Affected: yes. Observed: 1 variant allele.
Comment: FAM13A: BP4, BS2